The following is an entry in ClinVar:

ClinVar aggregate classification (germline): Uncertain significance (1 of 4 stars; one submission).

Conditions:
Charcot-Marie-Tooth disease axonal type 2O. Also called: Charcot-Marie-Tooth disease, axonal, type 20; CHARCOT-MARIE-TOOTH NEUROPATHY, AXONAL, TYPE 2O; CHARCOT-MARIE-TOOTH DISEASE, AXONAL, AUTOSOMAL DOMINANT, TYPE 2O; Charcot-Marie-Tooth Neuropathy Type 2O. Identifiers: Orphanet 284232, MedGen C3280220, MONDO:0013644, OMIM 614228.

Submission:

Labcorp Genetics (formerly Invitae), Labcorp
Classification: Uncertain significance for Charcot-Marie-Tooth disease axonal type 2O. Last evaluated: 2025-02-12. Review status: criteria provided, single submitter. Criteria: Invitae Variant Classification Sherloc (09022015). Collection method: clinical testing. Allele origin: germline.
Comment: This sequence change replaces serine, which is neutral and polar, with phenylalanine, which is neutral and non-polar, at codon 2623 of the DYNC1H1 protein (p.Ser2623Phe). This variant is not present in population databases (gnomAD no frequency). This variant has not been reported in the literature in individuals affected with DYNC1H1-related conditions. Invitae Evidence Modeling of protein sequence and biophysical properties (such as structural, functional, and spatial information, amino acid conservation, physicochemical variation, residue mobility, and thermodynamic stability) indicates that this missense variant is expected to disrupt DYNC1H1 protein function with a positive predictive value of 95%. In summary, the available evidence is currently insufficient to determine the role of this variant in disease. Therefore, it has been classified as a Variant of Uncertain Significance.

NM_001376.5(DYNC1H1):c.7868C>T (p.Ser2623Phe)

Gene: DYNC1H1 (dynein cytoplasmic 1 heavy chain 1; plus strand). Cytogenetic location: 14q32.31.
Variant type: single nucleotide variant.
Coding change: c.7868C>T on transcript NM_001376.5 (MANE Select); coding-DNA position 7868, C replaced by T.
Protein change: p.Ser2623Phe; replaces serine 2623 with phenylalanine.
Molecular consequence: missense variant.
Genome position (GRCh38, 1-based): chr14:102,017,107, C>T. VCF-style: chr14-102017107-C-T. GRCh37 (hg19) VCF-style: chr14-102483444-C-T.
Other names: short protein forms S2623F.
Identifiers: ClinVar variation 4745968 (VCV004745968.1).
Genomic context (GRCh38, chr14:102,017,107, plus strand): 5'-GGGTTGGTCTTACAGTGTGGTTTTGTGTCTTCCCTCCAAAGGTGGTGGGTCTCAACTTCT[C>T]CAGTGCTACTACTCCAGAGCTGCTTCTGAAGACTTTTGATCACTACTGCGAGTACAGGCG-3'
Protein context (NP_001367.2, residues 2613-2633): PDMEVVGLNF[Ser2623Phe]SATTPELLLK